The following is an entry in ClinVar:

NM_000059.4(BRCA2):c.8051A>G (p.Lys2684Arg)

Gene: BRCA2 (BRCA2 DNA repair associated; plus strand). Cytogenetic location: 13q13.1.
Variant type: single nucleotide variant.
Coding change: c.8051A>G on transcript NM_000059.4 (MANE Select); coding-DNA position 8051, A replaced by G.
Protein change: p.Lys2684Arg; replaces lysine 2684 with arginine.
Molecular consequence: missense variant.
Genome position (GRCh38, 1-based): chr13:32,363,253, A>G. VCF-style: chr13-32363253-A-G. GRCh37 (hg19) VCF-style: chr13-32937390-A-G.
Other names: 8279A>G; short protein forms K2684R.
Identifiers: ClinVar variation 52485 (VCV000052485.28), dbSNP rs80359043, ClinGen allele CA025421.
Genomic context (GRCh38, chr13:32,363,253, plus strand): 5'-TTGATAGAAGCAGAAGATCGGCTATAAAAAAGATAATGGAAAGGGATGACACAGCTGCAA[A>G]AACACTTGTTCTCTGTGTTTCTGACATAATTTCATTGAGCGCAAATATATCTGAAACTTC-3'
Protein context (NP_000050.3, residues 2674-2694): KIMERDDTAA[Lys2684Arg]TLVLCVSDII

ClinVar aggregate classification (germline): Conflicting classifications of pathogenicity. Review status: criteria provided, conflicting classifications (1 of 4 stars). 11 submissions from 11 submitters: Uncertain significance (5); Likely benign (2). 4 of the submissions do not count toward it. Last evaluated 2025-05-19.

Conditions:
Hereditary breast ovarian cancer syndrome. Also called: Hereditary breast and ovarian cancer syndrome; Hereditary breast and ovarian cancer; Hereditary breast and ovarian cancer syndrome (HBOC); Breast and ovarian cancer; Hereditary breast and/or ovarian cancer syndrome; BRCA1- and BRCA2-Associated Hereditary Breast and Ovarian Cancer. Identifiers: Orphanet 145, MedGen C0677776, MeSH D061325, MONDO:0003582. Disease mechanism: loss of function.
Hereditary cancer-predisposing syndrome. Also called: Neoplastic Syndromes, Hereditary; Tumor predisposition; Hereditary neoplastic syndrome; Hereditary Cancer Syndrome. Identifiers: Orphanet 140162, MedGen C0027672, MeSH D009386, MONDO:0015356.
Malignant tumor of breast. Also called: Malignant breast neoplasm; Cancer breast. Identifiers: MedGen C0006142, MONDO:0007254. Disease mechanism: loss of function.
BRCA2-related cancer predisposition. Identifiers: MedGen CN377758, MONDO:0700269.
Breast-ovarian cancer, familial, susceptibility to, 2 (BROVCA2). Also called: BRCA2 Hereditary Breast and Ovarian Cancer. Identifiers: Orphanet 145, MedGen C2675520, MONDO:0012933, OMIM 612555. Disease mechanism: loss of function.

Allele frequency attached by ClinVar (database versions not stated): gnomAD exomes 0.00001.
gnomAD v4.1: 8 of 1,614,102 alleles (0.0005%); highest among the groups gnomAD compares: Non-Finnish European, 0.00068%; no homozygotes.

Submissions (11):

Ambry Genetics
Classification: Likely benign for Hereditary cancer-predisposing syndrome. Last evaluated: 2025-05-19. Review status: criteria provided, single submitter. Criteria: Ambry Variant Classification Scheme 2023. Collection method: clinical testing. Allele origin: germline.

Labcorp Genetics (formerly Invitae), Labcorp
Classification: Uncertain significance for Hereditary breast ovarian cancer syndrome. Last evaluated: 2025-03-31. Review status: criteria provided, single submitter. Criteria: Invitae Variant Classification Sherloc (09022015). Collection method: clinical testing. Allele origin: germline.
Comment: This sequence change replaces lysine, which is basic and polar, with arginine, which is basic and polar, at codon 2684 of the BRCA2 protein (p.Lys2684Arg). This variant is not present in population databases (gnomAD no frequency). This variant has not been reported in the literature in individuals affected with BRCA2-related conditions. ClinVar contains an entry for this variant (Variation ID: 52485). Invitae Evidence Modeling of protein sequence and biophysical properties (such as structural, functional, and spatial information, amino acid conservation, physicochemical variation, residue mobility, and thermodynamic stability) indicates that this missense variant is not expected to disrupt BRCA2 protein function with a negative predictive value of 95%. In summary, the available evidence is currently insufficient to determine the role of this variant in disease. Therefore, it has been classified as a Variant of Uncertain Significance.

Myriad Genetics, Inc.
Classification: Likely benign for Breast-ovarian cancer, familial, susceptibility to, 2. Last evaluated: 2024-08-05. Review status: criteria provided, single submitter. Criteria: Myriad Autosomal Dominant, Autosomal Recessive and X-Linked Classification Criteria (2023). Collection method: clinical testing. Allele origin: unknown.
Comment: This variant is considered likely benign. This variant is strongly associated with less severe personal and family histories of cancer, typical for individuals without pathogenic variants in this gene [PMID: 25085752].

All of Us Research Program, National Institutes of Health
Classification: Uncertain significance for BRCA2-related cancer predisposition. Last evaluated: 2024-05-30. Review status: criteria provided, single submitter. Criteria: ACMG Guidelines, 2015. Collection method: clinical testing. Allele origin: germline. Inheritance: Autosomal dominant inheritance. Observed: 1 variant allele, 1 heterozygote.
Comment: This missense variant replaces lysine with arginine at codon 2684 of the BRCA2 protein. Computational prediction is inconclusive regarding the impact of this variant on protein structure and function. To our knowledge, functional studies have not been reported for this variant. This variant has been reported in an individual affected with breast cancer (PMID: 33471991; Leiden Open Variation Database DB-ID BRCA2_000269) and in a multifactorial analysis with co-occurrence and family history likelihood ratios for pathogenicity of 1.0498 and 1.1734, respectively (PMID: 31131967). This variant has not been identified in the general population by the Genome Aggregation Database (gnomAD). The available evidence is insufficient to determine the role of this variant in disease conclusively. Therefore, this variant is classified as a Variant of Uncertain Significance.

This study involves interpretation of variants in research participants for the purpose of population health screening. Participant phenotype was not available at the time of variant classification. Additional details can be found in publication PMID: 35346344, PMCID: PMC8962531

Color Diagnostics, LLC DBA Color Health
Classification: Uncertain significance for Hereditary cancer-predisposing syndrome. Last evaluated: 2024-05-16. Review status: criteria provided, single submitter. Criteria: ACMG Guidelines, 2015. Collection method: clinical testing. Allele origin: germline.
Comment: This missense variant replaces lysine with arginine at codon 2684 of the BRCA2 protein. Computational prediction is inconclusive regarding the impact of this variant on protein structure and function. To our knowledge, functional studies have not been reported for this variant. This variant has been reported in an individual affected with breast cancer (PMID: 33471991; Leiden Open Variation Database DB-ID BRCA2_000269) and in a multifactorial analysis with co-occurrence and family history likelihood ratios for pathogenicity of 1.0498 and 1.1734, respectively (PMID: 31131967). This variant has not been identified in the general population by the Genome Aggregation Database (gnomAD). The available evidence is insufficient to determine the role of this variant in disease conclusively. Therefore, this variant is classified as a Variant of Uncertain Significance.

GeneDx
Classification: Uncertain significance. Last evaluated: 2022-06-30. Review status: criteria provided, single submitter. Criteria: GeneDx Variant Classification Process June 2021. Collection method: clinical testing. Allele origin: germline. Affected: yes.
Comment: Not observed at significant frequency in large population cohorts (gnomAD); In silico analysis supports that this missense variant does not alter protein structure/function; Has not been previously published as pathogenic or benign to our knowledge; Also known as 8279A>G; This variant is associated with the following publications: (PMID: 31131967, 12228710, 24013206)

Quest Diagnostics Nichols Institute San Juan Capistrano
Classification: Uncertain significance. Last evaluated: 2018-04-25. Review status: criteria provided, single submitter. Criteria: Quest Diagnostics criteria. Collection method: clinical testing. Allele origin: germline.

True Health Diagnostics
Classification: Uncertain significance for Hereditary cancer-predisposing syndrome. Last evaluated: 2018-09-07. Review status: no assertion criteria provided. Collection method: clinical testing. Allele origin: germline. Not counted in ClinVar's aggregate classification.

Sharing Clinical Reports Project (SCRP)
Classification: Uncertain significance for Breast-ovarian cancer, familial 2. Last evaluated: 2012-09-05. Review status: no assertion criteria provided. Collection method: clinical testing. Allele origin: germline. Not counted in ClinVar's aggregate classification.

Breast Cancer Information Core (BIC) (BRCA2)
Classification: Uncertain significance for Breast-ovarian cancer, familial 2. Last evaluated: 2003-12-23. Review status: no assertion criteria provided. Collection method: clinical testing. Allele origin: germline. Affected: yes. Observed: 1 variant allele. Not counted in ClinVar's aggregate classification.

Department of Pathology and Laboratory Medicine, Sinai Health System
Classification: Uncertain significance for Malignant tumor of breast. Review status: no assertion criteria provided. Collection method: clinical testing. Allele origin: unknown. Affected: yes. Study: The Canadian Open Genetics Repository (COGR). Not counted in ClinVar's aggregate classification.
Comment: The BRCA2 p.Lys2684Arg variant was identified in the literature and was classified as neutral with protein likelihood ratios in favor of protein loss of function 0.145 (Karchin 2008). The variant was also identified in dbSNP (ID: rs80359043) as "With Uncertain significance allele", ClinVar (classified as uncertain significance by Invitae, Ambry Genetics, BIC and SCRP), and LOVD 3.0 (1x ). The variant was not identified in UMD-LSDB. The variant was not identified in the following control databases: the Exome Aggregation Consortium (August 8th 2016), or the Genome Aggregation Database (Feb 27, 2017). The p.Lys2684 residue is conserved in mammals and computational analyses (PolyPhen-2, SIFT, AlignGVGD, BLOSUM, MutationTaster) provide inconsistent predictions regarding the impact to the protein; this information is not very predictive of pathogenicity. The variant occurs outside of the splicing consensus sequence and in silico or computational prediction software programs (SpliceSiteFinder, MaxEntScan, NNSPLICE, GeneSplicer) do not predict a difference in splicing. In summary, based on the above information the clinical significance of this variant cannot be determined with certainty at this time. This variant is classified as a variant of uncertain significance.

Literature cited by the submitters: PubMed 19043619 (cited by Ambry Genetics); PubMed 25085752 (cited by Myriad Genetics, Inc.); PubMed 31131967 (cited by All of Us Research Program, National Institutes of Health and Color Diagnostics, LLC DBA Color Health); PubMed 33471991 (cited by All of Us Research Program, National Institutes of Health and Color Diagnostics, LLC DBA Color Health).